The following is an entry in ClinVar:

ClinVar aggregate classification (germline): Uncertain significance (1 of 4 stars; one submission).

Conditions:
3-methylglutaconic aciduria, type VIIB (MGCA7B). Also called: 3-methylglutaconic aciduria, type VII, with cataracts, neurologic involvement and neutropenia; CLPB Deficiency; 3-methylglutaconic aciduria with cataracts, neurologic involvement and neutropenia. Identifiers: Orphanet 445038, MedGen C5676893, MONDO:0014561, OMIM 616271.

Submission:

Labcorp Genetics (formerly Invitae), Labcorp
Classification: Uncertain significance for 3-methylglutaconic aciduria, type VIIB. Last evaluated: 2024-02-12. Review status: criteria provided, single submitter. Criteria: Invitae Variant Classification Sherloc (09022015). Collection method: clinical testing. Allele origin: germline.
Comment: This sequence change replaces isoleucine, which is neutral and non-polar, with leucine, which is neutral and non-polar, at codon 385 of the CLPB protein (p.Ile385Leu). This variant is not present in population databases (gnomAD no frequency). This variant has not been reported in the literature in individuals affected with CLPB-related conditions. An algorithm developed to predict the effect of missense changes on protein structure and function (PolyPhen-2) suggests that this variant is likely to be disruptive. In summary, the available evidence is currently insufficient to determine the role of this variant in disease. Therefore, it has been classified as a Variant of Uncertain Significance.

NM_001258392.3(CLPB):c.1063A>C (p.Ile355Leu)

Gene: CLPB (ClpB family mitochondrial disaggregase; minus strand). Cytogenetic location: 11q13.4.
Variant type: single nucleotide variant.
Coding change: c.1063A>C on transcript NM_001258392.3 (MANE Select); coding-DNA position 1063, A replaced by C.
Protein change: p.Ile355Leu; replaces isoleucine 355 with leucine.
Molecular consequence: missense variant.
Genome position (GRCh38, 1-based): chr11:72,308,530, T>G on the plus strand (A>C on the coding strand, the complement: CLPB is on the minus strand). VCF-style: chr11-72308530-T-G. GRCh37 (hg19) VCF-style: chr11-72019574-T-G.
Other names: c.976A>C, p.Ile326Leu (NM_001258393.3); c.1018A>C, p.Ile340Leu (NM_001258394.3); c.1153A>C, p.Ile385Leu (NM_030813.6); short protein forms I340L, I385L, I326L, I355L.
Identifiers: ClinVar variation 3640381 (VCV003640381.2).